The following is an entry in ClinVar:

ClinVar aggregate classification (germline): Benign/Likely benign. Review status: criteria provided, multiple submitters, no conflicts (2 of 4 stars). 14 submissions from 14 submitters: Benign (5); Likely benign (4). 5 of the submissions do not count toward it. Last evaluated 2026-08-01.

Conditions:
TTN-related disorder. Also called: TTN-related disorders; TTN-related condition; TTN-related disease.
Autosomal recessive limb-girdle muscular dystrophy type 2J (LGMDR10). Also called: MUSCULAR DYSTROPHY, LIMB-GIRDLE, AUTOSOMAL RECESSIVE 10; Limb-girdle muscular dystrophy, type 2J. Identifiers: Orphanet 140922, MedGen C1837342, MONDO:0012127, OMIM 608807.
Dilated cardiomyopathy 1G (CMD1G). Identifiers: Orphanet 154, MedGen C1858763, MONDO:0011400, OMIM 604145.
Cardiomyopathy (CMYO). Also called: Cardiomyopathies. Identifiers: Orphanet 167848, MedGen C0878544, MONDO:0004994, HP:0001638. Inheritance: Various modes of inheritance.

Submissions (14):

CeGaT Center for Human Genetics Tuebingen
Classification: Likely benign. Last evaluated: 2026-08-01. Review status: criteria provided, single submitter. Criteria: CeGaT Center For Human Genetics Tuebingen Variant Classification Criteria Version 2. Collection method: clinical testing. Allele origin: germline. Affected: yes. Observed: 18 variant alleles.
Comment: TTN: BS1

Labcorp Genetics (formerly Invitae), Labcorp
Classification: Benign for Dilated cardiomyopathy 1G; Autosomal recessive limb-girdle muscular dystrophy type 2J. Last evaluated: 2026-02-03. Review status: criteria provided, single submitter. Criteria: Invitae Variant Classification Sherloc (09022015). Collection method: clinical testing. Allele origin: germline.

Blueprint Genetics
Classification: Likely benign. Last evaluated: 2024-10-25. Review status: criteria provided, single submitter. Criteria: ACMG Guidelines, 2015. Collection method: clinical testing. Allele origin: germline.

ARUP Laboratories, Molecular Genetics and Genomics, ARUP Laboratories
Classification: Benign. Last evaluated: 2024-01-10. Review status: criteria provided, single submitter. Criteria: ARUP Molecular Germline Variant Investigation Process 2024. Collection method: clinical testing. Allele origin: germline.

Mayo Clinic Laboratories, Mayo Clinic
Classification: Likely benign. Last evaluated: 2023-06-05. Review status: criteria provided, single submitter. Criteria: ACMG Guidelines, 2015. Collection method: clinical testing. Allele origin: germline. Observed: 9 variant alleles.
Comment: BS1, BP4, BP7

CHEO Genetics Diagnostic Laboratory, Children's Hospital of Eastern Ontario
Classification: Benign for Cardiomyopathy. Last evaluated: 2020-12-09. Review status: criteria provided, single submitter. Criteria: ACMG Guidelines, 2015. Collection method: clinical testing. Allele origin: germline.

GeneDx
Classification: Likely benign. Last evaluated: 2020-09-01. Review status: criteria provided, single submitter. Criteria: GeneDx Variant Classification Process June 2021. Collection method: clinical testing. Allele origin: germline. Affected: yes.

Women's Health and Genetics/Laboratory Corporation of America, LabCorp
Classification: Benign. Last evaluated: 2019-09-16. Review status: criteria provided, single submitter. Criteria: LabCorp Variant Classification Summary - May 2015. Collection method: clinical testing. Allele origin: germline.
Comment: Variant summary: TTN c.23030-14_23030-10delTTTGT alters a nucleotide located close to a canonical splice site and therefore could affect mRNA splicing, leading to a significantly altered protein sequence. 5/5 computational tools predict no significant impact on normal splicing. However, these predictions have yet to be confirmed by functional studies. The variant allele was found at a frequency of 0.0015 in 100440 control chromosomes, predominantly at a frequency of 0.013 within the African or African-American subpopulation in the gnomAD database, including 1 homozygote. The observed variant frequency within African or African-American control individuals in the gnomAD database is approximately 21-fold of the estimated maximal expected allele frequency for a pathogenic variant in TTN causing Cardiomyopathy phenotype (0.00063), strongly suggesting that the variant is a benign polymorphism found primarily in populations of African or African-American origin. Two ClinVar submitters (evaluation after 2014) cite the variant as benign and likely benign. Based on the evidence outlined above, the variant was classified as benign.

Eurofins Ntd Llc (ga)
Classification: Benign. Last evaluated: 2014-05-21. Review status: criteria provided, single submitter. Criteria: EGL Classification Definitions 2015. Collection method: clinical testing. Allele origin: germline. Observed: 3 variant alleles, 1 heterozygote.

PreventionGenetics, part of Exact Sciences
Classification: Benign for TTN-related condition. Last evaluated: 2019-05-29. Review status: no assertion criteria provided. Collection method: clinical testing. Allele origin: germline. Not counted in ClinVar's aggregate classification.
Comment: This variant is classified as benign based on ACMG/AMP sequence variant interpretation guidelines (Richards et al. 2015 PMID: 25741868, with internal and published modifications).

Laboratory for Molecular Medicine, Mass General Brigham Personalized Medicine
No classification provided. Last evaluated: 2013-11-19. Review status: no classification provided. Collection method: clinical testing. Allele origin: germline. Observed: 6 variant alleles. Not counted in ClinVar's aggregate classification.
Comment: 23030-14_23030-10del variant in intron 89 of TTN: This variant is not expected to have clinical significance as it is part of a 5 bp repeat (TTTGT) and removes one repeat unit to 6 present in the reference sequence. 23030-14_23030-10delTTTGT in intron 89 of TTN (allele frequency = n/a)

Clinical Genetics DNA and cytogenetics Diagnostics Lab, Erasmus MC, Erasmus Medical Center
Classification: Likely benign. Review status: no assertion criteria provided. Collection method: clinical testing. Allele origin: germline. Affected: yes. Study: VKGL Data-share Consensus. Not counted in ClinVar's aggregate classification.

Clinical Genetics, Academic Medical Center
Classification: Benign. Review status: no assertion criteria provided. Collection method: clinical testing. Allele origin: germline. Affected: yes. Study: VKGL Data-share Consensus. Not counted in ClinVar's aggregate classification.

Diagnostic Laboratory, Department of Genetics, University Medical Center Groningen
Classification: Likely benign. Review status: no assertion criteria provided. Collection method: clinical testing. Allele origin: germline. Affected: yes. Study: VKGL Data-share Consensus. Not counted in ClinVar's aggregate classification.

NM_001267550.2(TTN):c.26762-39TTTGT[5]

Gene: TTN (titin; minus strand). Cytogenetic location: 2q31.2.
Variant type: Microsatellite.
Coding change: c.26762-39TTTGT[5] on transcript NM_001267550.2 (MANE Select); five copies in a row of the 5-base unit TTTGT starting at c.26762-39; the reference has six copies in a row; one copy, 5 bases deleted.
Molecular consequence: intron variant.
Genome position (GRCh38, 1-based): chr2:178,713,382-178,713,386, ACAAA deleted on the plus strand (TTTGT on the coding strand, the reverse complement: TTN is on the minus strand); deleting any 5 consecutive bases within chr2:178,713,382-178,713,412 gives the same sequence; the position shown is the placement nearest the transcript's 3' end. VCF-style (leftmost placement, unchanged base first): chr2-178713381-TACAAA-T. GRCh37 (hg19) VCF-style: chr2-179578108-TACAAA-T.
Other names: p.?; c.23030-14_23030-10delTTTGT (NM_133378.4); c.26762-14_26762-10delTTTGT (NM_001267550.2); c.25811-14_25811-10delTTTGT (NM_001256850.1); c.26762-14_26762-10del (NM_001267550.2); c.23030-14_23030-10del (NM_133378.4); c.25811-14_25811-10del (NM_001256850.1); c.13282+24671TTTGT[5] (NM_003319.4); and 5 more.
Identifiers: ClinVar variation 46788 (VCV000046788.63), dbSNP rs71393436, ClinGen allele CA139193.
Genomic context (GRCh38, chr2:178,713,381, plus strand): 5'-AGACCATTTGTCTCTTTCAATTTTCTTGTGAATGAAGGAGGAACGGTTCGGTCTGAATGA[TACAAA>T]ACAAAACAAAACAAAACAAAACAAAAAAAACAAAGGACAACAATTATAAAATGACTTGAA-3'